The following is an entry in ClinVar:

NM_001023570.4(IQCB1):c.1552G>A (p.Val518Ile)

Gene: IQCB1 (IQ motif containing B1; minus strand). Cytogenetic location: 3q13.33.
Variant type: single nucleotide variant.
Coding change: c.1552G>A on transcript NM_001023570.4 (MANE Select); coding-DNA position 1552, G replaced by A.
Protein change: p.Val518Ile; replaces valine 518 with isoleucine.
Molecular consequence: missense variant. On other transcripts: non-coding transcript variant (1).
Genome position (GRCh38, 1-based): chr3:121,772,572, C>T on the plus strand (G>A on the coding strand, the complement: IQCB1 is on the minus strand). VCF-style: chr3-121772572-C-T. GRCh37 (hg19) VCF-style: chr3-121491419-C-T.
Other names: c.1153G>A, p.Val385Ile (NM_001023571.4); c.1552G>A, p.Val518Ile (NM_001319107.2); short protein forms V385I, V518I.
Identifiers: ClinVar variation 839146 (VCV000839146.11), dbSNP rs1484442908, ClinGen allele CA354109617.

ClinVar aggregate classification (germline): Uncertain significance. Review status: criteria provided, multiple submitters, no conflicts (2 of 4 stars). 2 submissions from 2 submitters: Uncertain significance (2). Last evaluated 2021-09-02.

Conditions:
Nephronophthisis. Also called: Juvenile Nephronophthisis. Identifiers: Orphanet 655, MedGen C0687120, MONDO:0019005, HP:0000090.

Allele frequency attached by ClinVar (database versions not stated): gnomAD 0.00001; gnomAD exomes 0.00001; TOPMed 0.00001.
gnomAD v4.1: 19 of 1,614,070 alleles (0.0012%); highest among the groups gnomAD compares: South Asian, 0.0022%; no homozygotes.

Submissions (2):

Labcorp Genetics (formerly Invitae), Labcorp
Classification: Uncertain significance for Nephronophthisis. Last evaluated: 2021-09-02. Review status: criteria provided, single submitter. Criteria: Invitae Variant Classification Sherloc (09022015). Collection method: clinical testing. Allele origin: germline.
Comment: This sequence change replaces valine with isoleucine at codon 518 of the IQCB1 protein (p.Val518Ile). The valine residue is weakly conserved and there is a small physicochemical difference between valine and isoleucine. This variant is not present in population databases (ExAC no frequency). This variant has not been reported in the literature in individuals affected with IQCB1-related conditions. Algorithms developed to predict the effect of missense changes on protein structure and function output the following: SIFT: "Tolerated"; PolyPhen-2: "Benign"; Align-GVGD: "Class C0". The isoleucine amino acid residue is found in multiple mammalian species, which suggests that this missense change does not adversely affect protein function. In summary, the available evidence is currently insufficient to determine the role of this variant in disease. Therefore, it has been classified as a Variant of Uncertain Significance.

Genetic Services Laboratory, University of Chicago
Classification: Uncertain significance. Last evaluated: 2017-11-13. Review status: criteria provided, single submitter. Criteria: ACMG Guidelines, 2015. Collection method: clinical testing. Allele origin: germline. Affected: no.